The following is an entry in ClinVar:

NM_032638.5(GATA2):c.730C>T (p.His244Tyr)

Gene: GATA2 (GATA binding protein 2; minus strand). Cytogenetic location: 3q21.3.
Variant type: single nucleotide variant.
Coding change: c.730C>T on transcript NM_032638.5 (MANE Select); coding-DNA position 730, C replaced by T.
Protein change: p.His244Tyr; replaces histidine 244 with tyrosine.
Molecular consequence: missense variant.
Genome position (GRCh38, 1-based): chr3:128,485,868, G>A on the plus strand (C>T on the coding strand, the complement: GATA2 is on the minus strand). VCF-style: chr3-128485868-G-A. GRCh37 (hg19) VCF-style: chr3-128204711-G-A.
Other names: c.730C>T, p.His244Tyr (NM_001145661.2, NM_001145662.1); short protein forms H244Y.
Identifiers: ClinVar variation 4262129 (VCV004262129.1).

ClinVar aggregate classification (germline): Uncertain significance (1 of 4 stars; one submission).

Conditions:
Inborn genetic diseases. Identifiers: MedGen C0950123, MeSH D030342.

Submission:

Ambry Genetics
Classification: Uncertain significance for Inborn genetic diseases. Last evaluated: 2025-07-15. Review status: criteria provided, single submitter. Criteria: Ambry Variant Classification Scheme 2023. Collection method: clinical testing. Allele origin: germline.
Comment: The p.H244Y variant (also known as c.730C>T), located in coding exon 2 of the GATA2 gene, results from a C to T substitution at nucleotide position 730. The histidine at codon 244 is replaced by tyrosine, an amino acid with similar properties. This amino acid position is conserved. In addition, this alteration is predicted to be deleterious by in silico analysis. Based on the available evidence, the clinical significance of this variant remains unclear.